The following is an entry in ClinVar:

ClinVar aggregate classification (germline): Pathogenic/Likely pathogenic. Review status: criteria provided, multiple submitters, no conflicts (2 of 4 stars). 10 submissions from 10 submitters: Pathogenic (8); Likely pathogenic (1). 1 of the submissions does not count toward it. Last evaluated 2025-10-08.

Conditions:
Hereditary cancer-predisposing syndrome. Also called: Neoplastic Syndromes, Hereditary; Hereditary Cancer Syndrome; Tumor predisposition; Hereditary neoplastic syndrome. Identifiers: Orphanet 140162, MedGen C0027672, MeSH D009386, MONDO:0015356.
Familial cancer of breast. Also called: BREAST CANCER, FAMILIAL; hereditary breast carcinoma; Hereditary breast cancer. Identifiers: Orphanet 227535, MedGen C0346153, MONDO:0016419, OMIM 114480. Disease mechanism: loss of function.
Ataxia-telangiectasia syndrome (AT). Also called: Ataxia-telangiectasia, complementation group D; AT, COMPLEMENTATION GROUP C; Ataxia-telangiectasia; ATAXIA-TELANGIECTASIA, COMPLEMENTATION GROUP A; ATAXIA-TELANGIECTASIA, FRESNO VARIANT; Ataxia-telangiectasia, complementation group E. Identifiers: Orphanet 100, MedGen C0004135, MONDO:0008840, OMIM 208900.

Submissions (10):

Labcorp Genetics (formerly Invitae), Labcorp
Classification: Pathogenic for Ataxia-telangiectasia syndrome. Last evaluated: 2025-10-08. Review status: criteria provided, single submitter. Criteria: Invitae Variant Classification Sherloc (09022015). Collection method: clinical testing. Allele origin: germline.
Comment: This sequence change creates a premature translational stop signal (p.Ala1931Profs*7) in the ATM gene. It is expected to result in an absent or disrupted protein product. Loss-of-function variants in ATM are known to be pathogenic (PMID: 23807571, 25614872). This variant is not present in population databases (gnomAD no frequency). This premature translational stop signal has been observed in individual(s) with ataxia-telangiectasia, melanoma and pancreatic cancer (PMID: 10425038, 26681312). ClinVar contains an entry for this variant (Variation ID: 127411). For these reasons, this variant has been classified as Pathogenic.

Natera, Inc.
Classification: Likely pathogenic for Ataxia-telangiectasia. Last evaluated: 2025-05-26. Review status: criteria provided, single submitter. Criteria: Natera Variant Classification Schema (03/2026). Collection method: clinical testing. Allele origin: germline.
Comment: The c.5791delGinsCCT variant in ATM is a frameshift variant predicted to shift the reading frame beginning at codon 1931 and leads to a stop codon 7 codons downstream. This variant is expected to result in nonsense mediated decay, truncation, or a dysfunctional protein product. This variant is rare in the general population with a frequency below the threshold expected for the associated phenotype(s). Given the available evidence, this variant is classified as Likely Pathogenic.

Ambry Genetics
Classification: Pathogenic for Hereditary cancer-predisposing syndrome. Last evaluated: 2025-03-31. Review status: criteria provided, single submitter. Criteria: Ambry Variant Classification Scheme 2023. Collection method: clinical testing. Allele origin: germline.
Comment: The c.5791delGinsCCT pathogenic mutation, located in coding exon 38 of the ATM gene, results from the deletion of one nucleotide and insertion of 3 nucleotides causing a translational frameshift with a predicted alternate stop codon (p.A1931Pfs*7). This variant was reported in one individual with ataxia-telangiectasia (Castellv&iacute;-Bel S et al. Hum. Mutat. 1999; 14:156-62) and in an individual with a clinical history of melanoma and pancreatic cancer (Susswein LR et al. Genet. Med., 2016 Aug;18:823-32). This variant is considered to be rare based on population cohorts in the Genome Aggregation Database (gnomAD). In addition to the clinical data presented in the literature, this alteration is expected to result in loss of function by premature protein truncation or nonsense-mediated mRNA decay. As such, this alteration is interpreted as a disease-causing mutation..

Myriad Genetics, Inc.
Classification: Pathogenic for Familial cancer of breast. Last evaluated: 2024-01-26. Review status: criteria provided, single submitter. Criteria: Myriad Autosomal Dominant, Autosomal Recessive and X-Linked Classification Criteria (2023). Collection method: clinical testing. Allele origin: unknown.
Comment: This variant is considered pathogenic. This variant creates a frameshift predicted to result in premature protein truncation.

Quest Diagnostics Nichols Institute San Juan Capistrano
Classification: Pathogenic. Last evaluated: 2024-01-17. Review status: criteria provided, single submitter. Criteria: Quest Diagnostics criteria. Collection method: clinical testing. Allele origin: unknown.
Comment: The ATM c.5791delinsCCT (p.Ala1931Profs*7) variant alters the translational reading frame of the ATM mRNA and causes the premature termination of ATM protein synthesis. This variant has been reported in the published literature in individuals with of ataxia-telangiectasia (PMID: 10425038 (1999), 21665257 (2011)). This variant has also been identified in an individual with melanoma and pancreatic cancer (PMID: 26681312 (2015)). This variant has not been reported in large, multi-ethnic general populations (Genome Aggregation Database). Based on the available information, this variant is classified as pathogenic.

Baylor Genetics
Classification: Pathogenic for Familial cancer of breast. Last evaluated: 2023-10-11. Review status: criteria provided, single submitter. Criteria: ACMG Guidelines, 2015. Collection method: clinical testing. Allele origin: unknown.

GeneDx
Classification: Pathogenic. Last evaluated: 2023-03-30. Review status: criteria provided, single submitter. Criteria: GeneDx Variant Classification Process June 2021. Collection method: clinical testing. Allele origin: germline. Affected: yes.
Comment: Frameshift variant predicted to result in protein truncation and nonsense mediated decay in a gene for which loss of function is a known mechanism of disease; Not observed at significant frequency in large population cohorts (gnomAD); Truncating variants in this gene are considered pathogenic by a well-established clinical consortium and/or database; This variant is associated with the following publications: (PMID: 10425038, 15390180, 26681312, 23807571, 25614872, 27304073, 25122203, 29101607, 21665257)

Women's Health and Genetics/Laboratory Corporation of America, LabCorp
Classification: Pathogenic for Ataxia-telangiectasia syndrome. Last evaluated: 2022-10-27. Review status: criteria provided, single submitter. Criteria: LabCorp Variant Classification Summary - May 2015. Collection method: clinical testing. Allele origin: germline.
Comment: Variant summary: ATM c.5791delinsCCT (p.Ala1931ProfsX7) results in a premature termination codon, predicted to cause a truncation of the encoded protein or absence of the protein due to nonsense mediated decay, which are commonly known mechanisms for disease. Truncations downstream of this position have been classified as pathogenic by our laboratory. The variant was absent in 251034 control chromosomes (gnomAD). c.5791delinsCCT has been reported in the literature in individuals affected with Ataxia-Telangiectasia (Castellvi-Bev_1999, Cavaciuti_2005, Micol_2011). These data indicate that the variant is likely to be associated with disease. To our knowledge, no experimental evidence demonstrating an impact on protein function has been reported. Five ClinVar submitters (evaluation after 2014) cite the variant as pathogenic (n=4) and likely pathogenic (n=1). Based on the evidence outlined above, the variant was classified as pathogenic.

Color Diagnostics, LLC DBA Color Health
Classification: Pathogenic for Hereditary cancer-predisposing syndrome. Last evaluated: 2020-01-15. Review status: criteria provided, single submitter. Criteria: ACMG Guidelines, 2015. Collection method: clinical testing. Allele origin: germline.
Comment: This variant is located in the ATM protein. Splice site prediction tools suggest that this variant may not impact RNA splicing. This variant has not been identified in the general population by the Genome Aggregation Database (gnomAD). Loss of ATM function is a known mechanism of disease. Based on the available evidence, this variant is classified as Pathogenic.

Counsyl
Classification: Likely pathogenic for Ataxia-telangiectasia syndrome. Last evaluated: 2015-11-20. Review status: no assertion criteria provided. Collection method: clinical testing. Allele origin: unknown. Not counted in ClinVar's aggregate classification.

Literature cited by the submitters: PubMed 23807571 (cited by Labcorp Genetics (formerly Invitae), Labcorp); PubMed 25614872 (cited by Labcorp Genetics (formerly Invitae), Labcorp); PubMed 10425038 (cited by 5 submitters); PubMed 26681312 (cited by 4 submitters); PubMed 29101607 (cited by Ambry Genetics); PubMed 21665257 (cited by Quest Diagnostics Nichols Institute San Juan Capistrano and Women's Health and Genetics/Laboratory Corporation of America, LabCorp); PubMed 25122203 (cited by Women's Health and Genetics/Laboratory Corporation of America, LabCorp); PubMed 15390180 (cited by Women's Health and Genetics/Laboratory Corporation of America, LabCorp).

NM_000051.4(ATM):c.5791delinsCCT (p.Ala1931fs)

Genes: ATM (ATM serine/threonine kinase; plus strand), C11orf65 (chromosome 11 open reading frame 65; minus strand). Cytogenetic location: 11q22.3.
Variant type: Indel.
Coding change: c.5791delinsCCT on transcript NM_000051.4 (MANE Select); coding-DNA position 5791, G replaced by CCT.
Protein change: p.Ala1931fs; shifts the reading frame from alanine 1931.
Molecular consequence: frameshift variant. On other transcripts: intron variant (2).
Genome position (GRCh38, 1-based): chr11:108,310,188, G replaced by CCT. VCF-style: chr11-108310188-G-CCT. GRCh37 (hg19) VCF-style: chr11-108180915-G-CCT.
Other names: c.5791delinsCCT, p.Ala1931fs (NM_001351834.2); c.641-1117delinsAGG (NM_001330368.2); c.*39-1117delinsAGG (NM_001351110.2); short protein forms A1931fs.
Identifiers: ClinVar variation 127411 (VCV000127411.25), dbSNP rs587779851, ClinGen allele CA286903.